The following is an entry in ClinVar:

ClinVar aggregate classification (germline): Uncertain significance (1 of 4 stars; one submission).

Conditions:
Cardiovascular phenotype. Identifiers: MedGen CN230736.

Submission:

Ambry Genetics
Classification: Uncertain significance for Cardiovascular phenotype. Last evaluated: 2023-01-27. Review status: criteria provided, single submitter. Criteria: Ambry Variant Classification Scheme 2023. Collection method: clinical testing. Allele origin: germline.
Comment: The c.577_578delTCinsAA variant, located in coding exon 1 of the ZNF469 gene, results from an in-frame deletion of TC and insertion of AA at nucleotide positions 577 to 578. This results in the substitution of the serine residue for an asparagine residue at codon 193, an amino acid with highly similar properties. This amino acid position is highly conserved in available vertebrate species. In addition, this alteration is predicted to be neutral by in silico analysis (Choi Y et al. PLoS ONE. 2012; 7(10):e46688). Since supporting evidence is limited at this time, the clinical significance of this alteration remains unclear.

NM_001367624.2(ZNF469):c.577_578delinsAA (p.Ser193Asn)

Gene: ZNF469 (zinc finger protein 469; plus strand). Cytogenetic location: 16q24.2.
Variant type: Indel.
Coding change: c.577_578delinsAA on transcript NM_001367624.2 (MANE Select); coding-DNA positions 577 to 578, TC replaced by AA.
Protein change: p.Ser193Asn; replaces serine 193 with asparagine.
Molecular consequence: missense variant.
Genome position (GRCh38, 1-based): chr16:88,428,047-88,428,048, TC replaced by AA. VCF-style: chr16-88428047-TC-AA. GRCh37 (hg19) VCF-style: chr16-88494455-TC-AA.
Other names: NM_001127464.1:c.577_578delTCinsAA; short protein forms S193N.
Identifiers: ClinVar variation 2449484 (VCV002449484.2), dbSNP rs2507571628, ClinGen allele CA2580092201.
Genomic context (GRCh38, chr16:88,428,047, plus strand): 5'-CCCGCCGCCGAAGAGCTTGGCTTCCACAGGTGCTTCCAGGAGCCACCCTCCAGCTTTACC[TC>AA]CACCAACTATACCTCACCAAGCGCCACCCCCAGGCCCCCAGCCCCGGGGCCCCCCCAGAG-3'
Protein context (NP_001354553.1, residues 183-203): CFQEPPSSFT[Ser193Asn]TNYTSPSATP